The following is an entry in ClinVar:

ClinVar aggregate classification (germline): Benign. Review status: criteria provided, multiple submitters, no conflicts (2 of 4 stars). 6 submissions from 6 submitters: Benign (4). 2 of the submissions do not count toward it. Last evaluated 2026-02-02.

Conditions:
Infantile cerebral and cerebellar atrophy with postnatal progressive microcephaly (MSBA). Identifiers: Orphanet 402364, MedGen C3150921, MONDO:0013351, OMIM 613668.

Allele frequency attached by ClinVar (database versions not stated): gnomAD exomes 0.00500 and 0.01308; ExAC 0.01566; 1000 Genomes Project 0.05072; gnomAD 0.05144 and 0.05535; 1000 Genomes Project 30x 0.05169; ESP Exome Variant Server 0.05555; TOPMed 0.05780.

Submissions (6):

Labcorp Genetics (formerly Invitae), Labcorp
Classification: Benign. Last evaluated: 2026-02-02. Review status: criteria provided, single submitter. Criteria: Invitae Variant Classification Sherloc (09022015). Collection method: clinical testing. Allele origin: germline.

Mayo Clinic Laboratories, Mayo Clinic
Classification: Benign. Last evaluated: 2022-03-24. Review status: criteria provided, single submitter. Criteria: ACMG Guidelines, 2015. Collection method: clinical testing. Allele origin: germline. Observed: 8 variant alleles.

GeneDx
Classification: Benign. Last evaluated: 2018-07-07. Review status: criteria provided, single submitter. Criteria: GeneDx Variant Classification Process June 2021. Collection method: clinical testing. Allele origin: germline. Affected: yes.

Breakthrough Genomics
Classification: Benign. Review status: criteria provided, single submitter. Criteria: ACMG Guidelines, 2015. Collection method: not provided. Allele origin: germline. Inheritance: Autosomal recessive inheritance. Affected: yes.

Natera, Inc.
Classification: Benign for Postnatal progressive microcephaly with seizures and brain atrophy. Last evaluated: 2019-09-09. Review status: no assertion criteria provided. Collection method: clinical testing. Allele origin: germline. Not counted in ClinVar's aggregate classification.

Genetic Services Laboratory, University of Chicago
Classification: Likely benign for AllHighlyPenetrant. Review status: no assertion criteria provided. Collection method: clinical testing. Allele origin: germline. Inheritance: Autosomal recessive inheritance. Not counted in ClinVar's aggregate classification.
Comment: Likely benign based on allele frequency in 1000 Genomes Project or ESP global frequency and its presence in a patient with a rare or unrelated disease phenotype. NOT Sanger confirmed.

NM_004268.5(MED17):c.342T>C (p.Asp114=)

Gene: MED17 (mediator complex subunit 17; plus strand). Cytogenetic location: 11q21.
Variant type: single nucleotide variant.
Coding change: c.342T>C on transcript NM_004268.5 (MANE Select); coding-DNA position 342, T replaced by C.
Protein change: p.Asp114=; no amino-acid change (aspartic acid 114 retained).
Molecular consequence: synonymous variant.
Genome position (GRCh38, 1-based): chr11:93,788,092, T>C. VCF-style: chr11-93788092-T-C. GRCh37 (hg19) VCF-style: chr11-93521258-T-C.
Other names: p.Asp114=.
Identifiers: ClinVar variation 129603 (VCV000129603.19), dbSNP rs16919376, ClinGen allele CA153683.